The following is an entry in ClinVar:

ClinVar aggregate classification (germline): Uncertain significance (1 of 4 stars; one submission).

Allele frequency attached by ClinVar (database versions not stated): gnomAD exomes below 0.00001.

Submission:

Labcorp Genetics (formerly Invitae), Labcorp
Classification: Uncertain significance. Last evaluated: 2023-06-27. Review status: criteria provided, single submitter. Criteria: Invitae Variant Classification Sherloc (09022015). Collection method: clinical testing. Allele origin: germline.
Comment: This sequence change replaces alanine, which is neutral and non-polar, with valine, which is neutral and non-polar, at codon 2655 of the COL7A1 protein (p.Ala2655Val). This variant is present in population databases (rs761910447, gnomAD 0.006%). This variant has not been reported in the literature in individuals affected with COL7A1-related conditions. Advanced modeling of protein sequence and biophysical properties (such as structural, functional, and spatial information, amino acid conservation, physicochemical variation, residue mobility, and thermodynamic stability) performed at Invitae indicates that this missense variant is not expected to disrupt COL7A1 protein function. Algorithms developed to predict the effect of sequence changes on RNA splicing suggest that this variant may create or strengthen a splice site. In summary, the available evidence is currently insufficient to determine the role of this variant in disease. Therefore, it has been classified as a Variant of Uncertain Significance.

NM_000094.4(COL7A1):c.7964C>T (p.Ala2655Val)

Gene: COL7A1 (collagen type VII alpha 1 chain; minus strand). Cytogenetic location: 3p21.31.
Variant type: single nucleotide variant.
Coding change: c.7964C>T on transcript NM_000094.4 (MANE Select); coding-DNA position 7964, C replaced by T.
Protein change: p.Ala2655Val; replaces alanine 2655 with valine.
Molecular consequence: missense variant.
Genome position (GRCh38, 1-based): chr3:48,567,729, G>A on the plus strand (C>T on the coding strand, the complement: COL7A1 is on the minus strand). VCF-style: chr3-48567729-G-A. GRCh37 (hg19) VCF-style: chr3-48605162-G-A.
Other names: short protein forms A2655V.
Identifiers: ClinVar variation 2909199 (VCV002909199.2), dbSNP rs761910447, ClinGen allele CA2378229.